The following is an entry in ClinVar:

ClinVar aggregate classification (germline): Uncertain significance. Review status: criteria provided, multiple submitters, no conflicts (2 of 4 stars). 2 submissions from 2 submitters: Uncertain significance (2). Last evaluated 2023-05-25.

Conditions:
Familial adenomatous polyposis 1 (FAP1). Also called: FAMILIAL ADENOMATOUS POLYPOSIS 1, ATTENUATED; POLYPOSIS, ADENOMATOUS INTESTINAL. Identifiers: MedGen C2713442, MONDO:0021056, OMIM 175100. Disease mechanism: loss of function.
Hereditary cancer-predisposing syndrome. Also called: Hereditary Cancer Syndrome; Tumor predisposition; Hereditary neoplastic syndrome; Neoplastic Syndromes, Hereditary. Identifiers: Orphanet 140162, MedGen C0027672, MeSH D009386, MONDO:0015356.

Submissions (2):

Labcorp Genetics (formerly Invitae), Labcorp
Classification: Uncertain significance for Familial adenomatous polyposis 1. Last evaluated: 2023-05-25. Review status: criteria provided, single submitter. Criteria: Invitae Variant Classification Sherloc (09022015). Collection method: clinical testing. Allele origin: germline.
Comment: In summary, the available evidence is currently insufficient to determine the role of this variant in disease. Therefore, it has been classified as a Variant of Uncertain Significance. Advanced modeling of protein sequence and biophysical properties (such as structural, functional, and spatial information, amino acid conservation, physicochemical variation, residue mobility, and thermodynamic stability) performed at Invitae indicates that this missense variant is not expected to disrupt APC protein function. ClinVar contains an entry for this variant (Variation ID: 1055374). This variant has not been reported in the literature in individuals affected with APC-related conditions. This variant is not present in population databases (gnomAD no frequency). This sequence change replaces glutamic acid, which is acidic and polar, with glutamine, which is neutral and polar, at codon 378 of the APC protein (p.Glu378Gln).

Ambry Genetics
Classification: Uncertain significance for Hereditary cancer-predisposing syndrome. Last evaluated: 2022-11-09. Review status: criteria provided, single submitter. Criteria: Ambry Variant Classification Scheme 2023. Collection method: clinical testing. Allele origin: germline.
Comment: The p.E378Q variant (also known as c.1132G>C), located in coding exon 9 of the APC gene, results from a G to C substitution at nucleotide position 1132. The glutamic acid at codon 378 is replaced by glutamine, an amino acid with highly similar properties. This amino acid position is highly conserved in available vertebrate species. In addition, in silico predictors for this gene do not accurately predict pathogenicity. Since supporting evidence is limited at this time, the clinical significance of this alteration remains unclear.

NM_000038.6(APC):c.1132G>C (p.Glu378Gln)

Gene: APC (APC regulator of Wnt signaling pathway; plus strand). Cytogenetic location: 5q22.2.
Variant type: single nucleotide variant.
Coding change: c.1132G>C on transcript NM_000038.6 (MANE Select); coding-DNA position 1132, G replaced by C.
Protein change: p.Glu378Gln; replaces glutamic acid 378 with glutamine.
Molecular consequence: missense variant. On other transcripts: intron variant (4).
Genome position (GRCh38, 1-based): chr5:112,819,164, G>C. VCF-style: chr5-112819164-G-C. GRCh37 (hg19) VCF-style: chr5-112154861-G-C.
Other names: c.1132G>C (NM_000038.5); c.1132G>C, p.Glu378Gln (NM_001127510.3, NM_001354895.2, NM_001354896.2); c.1078G>C, p.Glu360Gln (NM_001127511.3); c.1162G>C, p.Glu388Gln (NM_001354897.2); c.1057G>C, p.Glu353Gln (NM_001354898.2); c.1048G>C, p.Glu350Gln (NM_001354899.2); c.955G>C, p.Glu319Gln (NM_001354900.2, NM_001354901.2); c.283G>C, p.Glu95Gln (NM_001354906.2); and 4 more; short protein forms E319Q, E350Q, E353Q, E360Q, E378Q, E388Q, E95Q.
Identifiers: ClinVar variation 1055374 (VCV001055374.49), dbSNP rs1301159894, ClinGen allele CA16023787.
Genomic context (GRCh38, chr5:112,819,164, plus strand): 5'-CAGCTTTTACATGGCAATGACAAAGACTCTGTATTGTTGGGAAATTCCCGGGGCAGTAAA[G>C]AGGCTCGGGCCAGGGCCAGTGCAGCACTCCACAACATCATTCACTCACAGCCTGATGACA-3'
Protein context (NP_000029.2, residues 368-388): VLLGNSRGSK[Glu378Gln]ARARASAALH